The following is an entry in ClinVar:

ClinVar aggregate classification (germline): Uncertain significance (1 of 4 stars; one submission).

Submission:

GeneDx
Classification: Uncertain significance. Last evaluated: 2024-09-06. Review status: criteria provided, single submitter. Criteria: GeneDx Variant Classification Process June 2021. Collection method: clinical testing. Allele origin: germline. Affected: yes.
Comment: Not observed at significant frequency in large population cohorts (gnomAD); In silico analysis supports that this missense variant has a deleterious effect on protein structure/function; Has not been previously published as pathogenic or benign to our knowledge

NM_007118.4(TRIO):c.4529T>G (p.Phe1510Cys)

Gene: TRIO (trio Rho guanine nucleotide exchange factor; plus strand). Cytogenetic location: 5p15.2.
Variant type: single nucleotide variant.
Coding change: c.4529T>G on transcript NM_007118.4 (MANE Select); coding-DNA position 4529, T replaced by G.
Protein change: p.Phe1510Cys; replaces phenylalanine 1510 with cysteine.
Molecular consequence: missense variant. On other transcripts: non-coding transcript variant (1).
Genome position (GRCh38, 1-based): chr5:14,398,985, T>G. VCF-style: chr5-14398985-T-G. GRCh37 (hg19) VCF-style: chr5-14399094-T-G.
Other names: short protein forms F1510C.
Identifiers: ClinVar variation 3767636 (VCV003767636.1).
Genomic context (GRCh38, chr5:14,398,985, plus strand): 5'-AATCCTTCCAAGTGTGGGACCCAAAAACCTTAATTCGAAAGGGTCGAGAACGGCATCTCT[T>G]CCTTTTTGAAATGTCCTTAGTATTTAGTAAAGAAGTGAAAGATTCCAGTGGGAGAAGCAA-3'
Protein context (NP_009049.2, residues 1500-1520): LIRKGRERHL[Phe1510Cys]LFEMSLVFSK